The following is an entry in ClinVar:

NM_000143.4(FH):c.1237-15CTCA[4]

Gene: FH (fumarate hydratase; minus strand). Cytogenetic location: 1q43.
Variant type: Microsatellite.
Coding change: c.1237-15CTCA[4] on transcript NM_000143.4 (MANE Select); four copies in a row of the 4-base unit CTCA starting at c.1237-15; the reference has three copies in a row; one copy, 4 bases duplicated.
Molecular consequence: intron variant.
Genome position (GRCh38, 1-based): chr1:241,500,594-241,500,597, TGAG duplicated on the plus strand (CTCA on the coding strand, the reverse complement: FH is on the minus strand); duplicating any 4 consecutive bases within chr1:241,500,594-241,500,605 gives the same sequence; the position shown is the placement nearest the transcript's 3' end. VCF-style (leftmost placement, unchanged base first): chr1-241500593-T-TTGAG. GRCh37 (hg19) VCF-style: chr1-241663893-T-TTGAG.
Other names: p.?; c.1237-7_1237-4dupCTCA (NM_000143.3).
Identifiers: ClinVar variation 413608 (VCV000413608.15), dbSNP rs750898743, ClinGen allele CA1478487.

ClinVar aggregate classification (germline): Conflicting classifications of pathogenicity. Review status: criteria provided, conflicting classifications (1 of 4 stars). 4 submissions from 4 submitters: Uncertain significance (1); Likely benign (3). Last evaluated 2026-01-07.

Conditions:
Hereditary cancer-predisposing syndrome. Also called: Neoplastic Syndromes, Hereditary; Tumor predisposition; Hereditary Cancer Syndrome; Hereditary neoplastic syndrome. Identifiers: Orphanet 140162, MedGen C0027672, MeSH D009386, MONDO:0015356.

Submissions (4):

Labcorp Genetics (formerly Invitae), Labcorp
Classification: Likely benign. Last evaluated: 2026-01-07. Review status: criteria provided, single submitter. Criteria: Invitae Variant Classification Sherloc (09022015). Collection method: clinical testing. Allele origin: germline.

Mayo Clinic Laboratories, Mayo Clinic
Classification: Likely benign. Last evaluated: 2025-08-26. Review status: criteria provided, single submitter. Criteria: ACMG Guidelines, 2015. Collection method: clinical testing. Allele origin: germline. Observed: 1 variant allele.
Comment: BP4, BP7

Ambry Genetics
Classification: Likely benign for Hereditary cancer-predisposing syndrome. Last evaluated: 2024-09-22. Review status: criteria provided, single submitter. Criteria: Ambry Variant Classification Scheme 2023. Collection method: clinical testing. Allele origin: germline.

Quest Diagnostics Nichols Institute San Juan Capistrano
Classification: Uncertain significance. Last evaluated: 2024-08-22. Review status: criteria provided, single submitter. Criteria: Quest Diagnostics criteria. Collection method: clinical testing. Allele origin: unknown.
Comment: The FH c.1237-7_1237-4dup variant has not been reported in individuals with FH-related conditions in the published literature. The frequency of this variant in the general population, 0.000017 (4/233054 chromosomes (Genome Aggregation Database)), is uninformative in the assessment of its pathogenicity. Analysis of this variant using software algorithms for the prediction of the effect of nucleotide changes on FH mRNA splicing yielded inconclusive findings. Based on the available information, we are unable to determine the clinical significance of this variant.